The following is an entry in ClinVar:

NM_030948.6(PHACTR1):c.1530G>A (p.Val510=)

Genes: PHACTR1 (phosphatase and actin regulator 1; plus strand), TBC1D7-LOC100130357 (TBC1D7-LOC100130357 readthrough; minus strand), LOC100130357 (uncharacterized LOC100130357; minus strand). Cytogenetic location: 6p24.1.
Variant type: single nucleotide variant.
Coding change: c.1530G>A on transcript NM_030948.6 (MANE Select); coding-DNA position 1530, G replaced by A.
Protein change: p.Val510=; no amino-acid change (valine 510 retained).
Molecular consequence: synonymous variant. On other transcripts: non-coding transcript variant (1), intron variant (1).
Genome position (GRCh38, 1-based): chr6:13,283,442, G>A. VCF-style: chr6-13283442-G-A. GRCh37 (hg19) VCF-style: chr6-13283674-G-A.
Other names: c.1530G>A, p.Val510= (NM_001242648.4, NM_001322308.3, NM_001322309.3 and 1 more transcripts); c.1737G>A, p.Val579= (NM_001322310.2); c.1254G>A, p.Val418= (NM_001322311.2, NM_001322312.3, NM_001374583.2); c.1461G>A, p.Val487= (NM_001322313.2); c.1740G>A, p.Val580= (NM_001322314.4); c.*40-15607C>T (NM_001318809.2).
Identifiers: ClinVar variation 3771200 (VCV003771200.13).

ClinVar aggregate classification (germline): Likely benign (1 of 4 stars; one submission).

gnomAD v4.1: 86 of 1,613,714 alleles (0.0053%); highest among the groups gnomAD compares: African/African-American, 0.055%; 3 homozygotes.

Submission:

CeGaT Center for Human Genetics Tuebingen
Classification: Likely benign. Last evaluated: 2025-02-01. Review status: criteria provided, single submitter. Criteria: CeGaT Center For Human Genetics Tuebingen Variant Classification Criteria Version 2. Collection method: clinical testing. Allele origin: germline. Affected: yes. Observed: 1 variant allele.
Comment: PHACTR1: BP4, BP7